The following is an entry in ClinVar:

ClinVar aggregate classification (germline): Uncertain significance (1 of 4 stars; one submission).

Submission:

GeneDx
Classification: Uncertain significance. Last evaluated: 2026-05-11. Review status: criteria provided, single submitter. Criteria: GeneDx Variant Classification Process June 2021. Collection method: clinical testing. Allele origin: germline.
Comment: Not observed at significant frequency in large population cohorts (gnomAD); In silico analysis supports that this missense variant has a deleterious effect on protein structure/function; Has not been previously published as pathogenic or benign to our knowledge

NM_005321.3(H1-4):c.513A>T (p.Lys171Asn)

Gene: H1-4 (H1.4 linker histone, cluster member; plus strand). Cytogenetic location: 6p22.2.
Variant type: single nucleotide variant.
Coding change: c.513A>T on transcript NM_005321.3 (MANE Select); coding-DNA position 513, A replaced by T.
Protein change: p.Lys171Asn; replaces lysine 171 with asparagine.
Molecular consequence: missense variant.
Genome position (GRCh38, 1-based): chr6:26,156,903, A>T. VCF-style: chr6-26156903-A-T. GRCh37 (hg19) VCF-style: chr6-26157131-A-T.
Other names: short protein forms K171N.
Identifiers: ClinVar variation 3369231 (VCV003369231.2).